The following is an entry in ClinVar:

NM_001371189.2(UNC13B):c.9766C>T (p.Arg3256Cys)

Gene: UNC13B (unc-13 homolog B; plus strand). Cytogenetic location: 9p13.3.
Variant type: single nucleotide variant.
Coding change: c.9766C>T on transcript NM_001371189.2 (MANE Select); coding-DNA position 9766, C replaced by T.
Protein change: p.Arg3256Cys; replaces arginine 3256 with cysteine.
Molecular consequence: missense variant. On other transcripts: non-coding transcript variant (1).
Genome position (GRCh38, 1-based): chr9:35,376,178, C>T. VCF-style: chr9-35376178-C-T. GRCh37 (hg19) VCF-style: chr9-35376175-C-T.
Other names: c.1519C>T (NM_006377.3); c.1519C>T, p.Arg507Cys (NM_001330653.3, NM_001371186.2, NM_006377.6); c.2659C>T, p.Arg887Cys (NM_001371187.2, NM_001387555.1); c.409C>T, p.Arg137Cys (NM_001371188.2); c.1555C>T, p.Arg519Cys (NM_001387551.1); c.1372C>T, p.Arg458Cys (NM_001387553.1, NM_001387554.1); short protein forms R137C, R3256C, R458C, R507C, R519C, R887C.
Identifiers: ClinVar variation 2659173 (VCV002659173.25), dbSNP rs756677044, ClinGen allele CA5042364.

ClinVar aggregate classification (germline): Uncertain significance. Review status: criteria provided, multiple submitters, no conflicts (2 of 4 stars). 2 submissions from 2 submitters: Uncertain significance (2). Last evaluated 2024-11-19.

Allele frequency attached by ClinVar (database versions not stated): gnomAD 0.00004; TOPMed 0.00004; gnomAD exomes 0.00005; ExAC 0.00008.
gnomAD v4.1: 81 of 1,613,974 alleles (0.005%); highest among the groups gnomAD compares: Admixed American, 0.012%; no homozygotes.

Submissions (2):

Ambry Genetics
Classification: Uncertain significance. Last evaluated: 2024-11-19. Review status: criteria provided, single submitter. Criteria: Ambry Variant Classification Scheme 2023. Collection method: clinical testing. Allele origin: germline.

CeGaT Center for Human Genetics Tuebingen
Classification: Uncertain significance. Last evaluated: 2022-07-01. Review status: criteria provided, single submitter. Criteria: CeGaT Center For Human Genetics Tuebingen Variant Classification Criteria Version 2. Collection method: clinical testing. Allele origin: germline. Affected: yes. Observed: 1 variant allele.
Comment: UNC13B: PP3